The following is an entry in ClinVar:

ClinVar aggregate classification (germline): Uncertain significance. Review status: criteria provided, multiple submitters, no conflicts (2 of 4 stars). 4 submissions from 4 submitters: Uncertain significance (4). Last evaluated 2025-12-03.

Conditions:
Hereditary cancer-predisposing syndrome. Also called: Neoplastic Syndromes, Hereditary; Tumor predisposition; Hereditary Cancer Syndrome; Hereditary neoplastic syndrome. Identifiers: Orphanet 140162, MedGen C0027672, MeSH D009386, MONDO:0015356.
Familial adenomatous polyposis 1 (FAP1). Also called: FAMILIAL ADENOMATOUS POLYPOSIS 1, ATTENUATED; POLYPOSIS, ADENOMATOUS INTESTINAL. Identifiers: MedGen C2713442, MONDO:0021056, OMIM 175100. Disease mechanism: loss of function.

Allele frequency attached by ClinVar (database versions not stated): gnomAD exomes below 0.00001; TOPMed 0.00001.
gnomAD v4.1: 2 of 1,614,034 alleles (0.00012%); highest among the groups gnomAD compares: Non-Finnish European, 0.00017%; no homozygotes.

Submissions (4):

Labcorp Genetics (formerly Invitae), Labcorp
Classification: Uncertain significance for Familial adenomatous polyposis 1. Last evaluated: 2025-12-03. Review status: criteria provided, single submitter. Criteria: Invitae Variant Classification Sherloc (09022015). Collection method: clinical testing. Allele origin: germline.
Comment: This sequence change replaces lysine, which is basic and polar, with glutamic acid, which is acidic and polar, at codon 2049 of the APC protein (p.Lys2049Glu). This variant is not present in population databases (gnomAD no frequency). This variant has not been reported in the literature in individuals affected with APC-related conditions. ClinVar contains an entry for this variant (Variation ID: 141370). Invitae Evidence Modeling of protein sequence and biophysical properties (such as structural, functional, and spatial information, amino acid conservation, physicochemical variation, residue mobility, and thermodynamic stability) indicates that this missense variant is not expected to disrupt APC protein function with a negative predictive value of 95%. In summary, the available evidence is currently insufficient to determine the role of this variant in disease. Therefore, it has been classified as a Variant of Uncertain Significance.

Ambry Genetics
Classification: Uncertain significance for Hereditary cancer-predisposing syndrome. Last evaluated: 2024-04-28. Review status: criteria provided, single submitter. Criteria: Ambry Variant Classification Scheme 2023. Collection method: clinical testing. Allele origin: germline.
Comment: The p.K2049E variant (also known as c.6145A>G), located in coding exon 15 of the APC gene, results from an A to G substitution at nucleotide position 6145. The lysine at codon 2049 is replaced by glutamic acid, an amino acid with similar properties. This amino acid position is highly conserved in available vertebrate species. In addition, in silico predictors for this gene do not accurately predict pathogenicity. Since supporting evidence is limited at this time, the clinical significance of this alteration remains unclear.

Color Diagnostics, LLC DBA Color Health
Classification: Uncertain significance for Hereditary cancer-predisposing syndrome. Last evaluated: 2024-03-06. Review status: criteria provided, single submitter. Criteria: ACMG Guidelines, 2015. Collection method: clinical testing. Allele origin: germline.
Comment: This missense variant replaces lysine with glutamic acid at codon 2049 of the APC protein. Computational prediction suggests that this variant may have deleterious impact on protein structure and function (internally defined REVEL score threshold >= 0.7, PMID: 27666373). Splice site prediction tools suggest that this variant may not impact RNA splicing. To our knowledge, functional studies have not been performed for this variant. This variant has not been reported in individuals affected with hereditary cancer in the literature. This variant has not been identified in the general population by the Genome Aggregation Database (gnomAD). The available evidence is insufficient to determine the role of this variant in disease conclusively. Therefore, this variant is classified as a Variant of Uncertain Significance.

GeneDx
Classification: Uncertain significance. Last evaluated: 2023-09-12. Review status: criteria provided, single submitter. Criteria: GeneDx Variant Classification Process June 2021. Collection method: clinical testing. Allele origin: germline. Affected: yes.
Comment: Not observed at significant frequency in large population cohorts (gnomAD); In silico analysis supports that this missense variant does not alter protein structure/function; Has not been previously published as pathogenic or benign to our knowledge; This variant is associated with the following publications: (PMID: 18199528)

NM_000038.6(APC):c.6145A>G (p.Lys2049Glu)

Gene: APC (APC regulator of Wnt signaling pathway; plus strand). Cytogenetic location: 5q22.2.
Variant type: single nucleotide variant.
Coding change: c.6145A>G on transcript NM_000038.6 (MANE Select); coding-DNA position 6145, A replaced by G.
Protein change: p.Lys2049Glu; replaces lysine 2049 with glutamic acid.
Molecular consequence: missense variant.
Genome position (GRCh38, 1-based): chr5:112,841,739, A>G. VCF-style: chr5-112841739-A-G. GRCh37 (hg19) VCF-style: chr5-112177436-A-G.
Other names: c.6145A>G, p.Lys2049Glu (NM_001127510.3, NM_001354895.2); c.6091A>G, p.Lys2031Glu (NM_001127511.3); c.6199A>G, p.Lys2067Glu (NM_001354896.2); c.6175A>G, p.Lys2059Glu (NM_001354897.2); c.6070A>G, p.Lys2024Glu (NM_001354898.2); c.6061A>G, p.Lys2021Glu (NM_001354899.2); c.6022A>G, p.Lys2008Glu (NM_001354900.2); c.5968A>G, p.Lys1990Glu (NM_001354901.2); and 5 more; short protein forms K2031E, K2049E, K1923E, K1958E, K1990E, K1766E, K1889E, K1948E.
Identifiers: ClinVar variation 141370 (VCV000141370.24), dbSNP rs587781695, ClinGen allele CA010982.